The following is an entry in ClinVar:

NM_002661.5(PLCG2):c.2882C>G (p.Thr961Arg)

Gene: PLCG2 (phospholipase C gamma 2; plus strand). Cytogenetic location: 16q23.3.
Variant type: single nucleotide variant.
Coding change: c.2882C>G on transcript NM_002661.5 (MANE Select); coding-DNA position 2882, C replaced by G.
Protein change: p.Thr961Arg; replaces threonine 961 with arginine.
Molecular consequence: missense variant.
Genome position (GRCh38, 1-based): chr16:81,936,208, C>G. VCF-style: chr16-81936208-C-G. GRCh37 (hg19) VCF-style: chr16-81969813-C-G.
Other names: short protein forms T961R.
Identifiers: ClinVar variation 1721214 (VCV001721214.5), dbSNP rs371326699, ClinGen allele CA396905658.

ClinVar aggregate classification (germline): Uncertain significance (1 of 4 stars; one submission).

Conditions:
Familial cold autoinflammatory syndrome 3 (FCAS3). Also called: FAMILIAL ATYPICAL COLD URTICARIA; ANTIBODY DEFICIENCY AND IMMUNE DYSREGULATION, PLCG2-ASSOCIATED. Identifiers: Orphanet 300359, MedGen C3280914, MONDO:0013766, OMIM 614468.

Submission:

Labcorp Genetics (formerly Invitae), Labcorp
Classification: Uncertain significance for Familial cold autoinflammatory syndrome 3. Last evaluated: 2022-08-04. Review status: criteria provided, single submitter. Criteria: Invitae Variant Classification Sherloc (09022015). Collection method: clinical testing. Allele origin: germline.
Comment: This sequence change replaces threonine, which is neutral and polar, with arginine, which is basic and polar, at codon 961 of the PLCG2 protein (p.Thr961Arg). This variant is not present in population databases (gnomAD no frequency). This variant has not been reported in the literature in individuals affected with PLCG2-related conditions. Algorithms developed to predict the effect of missense changes on protein structure and function are either unavailable or do not agree on the potential impact of this missense change (SIFT: "Tolerated"; PolyPhen-2: "Possibly Damaging"; Align-GVGD: "Class C0"). In summary, the available evidence is currently insufficient to determine the role of this variant in disease. Therefore, it has been classified as a Variant of Uncertain Significance.